The following is an entry in ClinVar:

ClinVar aggregate classification (germline): Benign/Likely benign. Review status: criteria provided, multiple submitters, no conflicts (2 of 4 stars). 8 submissions from 8 submitters: Benign (1); Likely benign (6). 1 of the submissions does not count toward it. Last evaluated 2025-12-21.

Conditions:
ATM-related disorder. Also called: ATM-related disorders; ATM-related condition.
Hereditary cancer-predisposing syndrome. Also called: Hereditary Cancer Syndrome; Tumor predisposition; Neoplastic Syndromes, Hereditary; Hereditary neoplastic syndrome. Identifiers: Orphanet 140162, MedGen C0027672, MeSH D009386, MONDO:0015356.
Ataxia-telangiectasia syndrome (AT). Also called: ATAXIA-TELANGIECTASIA, COMPLEMENTATION GROUP A; ATAXIA-TELANGIECTASIA, FRESNO VARIANT; Ataxia-telangiectasia; Ataxia-telangiectasia, complementation group E; Cerebello-oculocutaneous telangiectasia; Immunodeficiency with ataxia telangiectasia. Identifiers: Orphanet 100, MedGen C0004135, MONDO:0008840, OMIM 208900.
Familial cancer of breast. Also called: hereditary breast carcinoma; BREAST CANCER, FAMILIAL; Hereditary breast cancer. Identifiers: Orphanet 227535, MedGen C0346153, MONDO:0016419, OMIM 114480. Disease mechanism: loss of function.

Allele frequency attached by ClinVar (database versions not stated): gnomAD exomes 0.00001 and below 0.00001; TOPMed 0.00003; ExAC 0.00002; gnomAD 0.00002; ESP Exome Variant Server 0.00015.
gnomAD v4.1: 7 of 1,613,338 alleles (0.00043%); highest among the groups gnomAD compares: African/African-American, 0.0093%; no homozygotes.

Submissions (8):

Labcorp Genetics (formerly Invitae), Labcorp
Classification: Likely benign for Ataxia-telangiectasia syndrome. Last evaluated: 2025-12-21. Review status: criteria provided, single submitter. Criteria: Invitae Variant Classification Sherloc (09022015). Collection method: clinical testing. Allele origin: germline.

Blueprint Genetics
Classification: Likely benign. Last evaluated: 2024-07-25. Review status: criteria provided, single submitter. Criteria: ACMG Guidelines, 2015. Collection method: clinical testing. Allele origin: germline.

Myriad Genetics, Inc.
Classification: Benign for Familial cancer of breast. Last evaluated: 2024-05-30. Review status: criteria provided, single submitter. Criteria: Myriad Autosomal Dominant, Autosomal Recessive and X-Linked Classification Criteria (2023). Collection method: clinical testing. Allele origin: unknown.
Comment: This variant is considered benign. This variant is a silent/synonymous amino acid change and it is not expected to impact splicing.

GeneDx
Classification: Likely benign. Last evaluated: 2021-05-24. Review status: criteria provided, single submitter. Criteria: GeneDx Variant Classification Process June 2021. Collection method: clinical testing. Allele origin: germline. Affected: yes.

Women's Health and Genetics/Laboratory Corporation of America, LabCorp
Classification: Likely benign. Last evaluated: 2021-03-20. Review status: criteria provided, single submitter. Criteria: LabCorp Variant Classification Summary - May 2015. Collection method: clinical testing. Allele origin: germline.

Color Diagnostics, LLC DBA Color Health
Classification: Likely benign for Hereditary cancer-predisposing syndrome. Last evaluated: 2016-01-13. Review status: criteria provided, single submitter. Criteria: ACMG Guidelines, 2015. Collection method: clinical testing. Allele origin: germline.

Ambry Genetics
Classification: Likely benign for Hereditary cancer-predisposing syndrome. Last evaluated: 2015-01-20. Review status: criteria provided, single submitter. Criteria: Ambry Variant Classification Scheme 2023. Collection method: clinical testing. Allele origin: germline.

PreventionGenetics, part of Exact Sciences
Classification: Likely benign for ATM-related condition. Last evaluated: 2022-12-09. Review status: no assertion criteria provided. Collection method: clinical testing. Allele origin: germline. Not counted in ClinVar's aggregate classification.
Comment: This variant is classified as likely benign based on ACMG/AMP sequence variant interpretation guidelines (Richards et al. 2015 PMID: 25741868, with internal and published modifications).

NM_000051.4(ATM):c.6042G>A (p.Glu2014=)

Genes: ATM (ATM serine/threonine kinase; plus strand), C11orf65 (chromosome 11 open reading frame 65; minus strand). Cytogenetic location: 11q22.3.
Variant type: single nucleotide variant.
Coding change: c.6042G>A on transcript NM_000051.4 (MANE Select); coding-DNA position 6042, G replaced by A.
Protein change: p.Glu2014=; no amino-acid change (glutamic acid 2014 retained).
Molecular consequence: synonymous variant. On other transcripts: intron variant (2).
Genome position (GRCh38, 1-based): chr11:108,315,858, G>A. VCF-style: chr11-108315858-G-A. GRCh37 (hg19) VCF-style: chr11-108186585-G-A.
Other names: c.6042G>A, p.Glu2014= (NM_001351834.2); c.641-6787C>T (NM_001330368.2); c.*39-6787C>T (NM_001351110.2).
Identifiers: ClinVar variation 184453 (VCV000184453.25), dbSNP rs138987778, ClinGen allele CA189005.